The following is an entry in ClinVar:

NM_000059.4(BRCA2):c.1970T>G (p.Leu657Trp)

Gene: BRCA2 (BRCA2 DNA repair associated; plus strand). Cytogenetic location: 13q13.1.
Variant type: single nucleotide variant.
Coding change: c.1970T>G on transcript NM_000059.4 (MANE Select); coding-DNA position 1970, T replaced by G.
Protein change: p.Leu657Trp; replaces leucine 657 with tryptophan.
Molecular consequence: missense variant.
Genome position (GRCh38, 1-based): chr13:32,336,325, T>G. VCF-style: chr13-32336325-T-G. GRCh37 (hg19) VCF-style: chr13-32910462-T-G.
Other names: short protein forms L657W.
Identifiers: ClinVar variation 1006123 (VCV001006123.10), dbSNP rs397507279, ClinGen allele CA387768542.
Genomic context (GRCh38, chr13:32,336,325, plus strand): 5'-GTTTATTGCATTCTTCTGTGAAAAGAAGCTGTTCACAGAATGATTCTGAAGAACCAACTT[T>G]GTCCTTAACTAGCTCTTTTGGGACAATTCTGAGGAAATGTTCTAGAAATGAAACATGTTC-3'
Protein context (NP_000050.3, residues 647-667): CSQNDSEEPT[Leu657Trp]SLTSSFGTIL

ClinVar aggregate classification (germline): Conflicting classifications of pathogenicity. Review status: criteria provided, conflicting classifications (1 of 4 stars). 2 submissions from 2 submitters: Uncertain significance (1); Likely benign (1). Last evaluated 2023-03-23.

Conditions:
Hereditary cancer-predisposing syndrome. Also called: Hereditary neoplastic syndrome; Neoplastic Syndromes, Hereditary; Tumor predisposition; Hereditary Cancer Syndrome. Identifiers: Orphanet 140162, MedGen C0027672, MeSH D009386, MONDO:0015356.
Hereditary breast ovarian cancer syndrome. Also called: Hereditary breast and/or ovarian cancer syndrome; Hereditary breast and ovarian cancer syndrome; Hereditary breast and ovarian cancer syndrome (HBOC); Breast and ovarian cancer; BRCA1- and BRCA2-Associated Hereditary Breast and Ovarian Cancer; Hereditary breast and ovarian cancer. Identifiers: Orphanet 145, MedGen C0677776, MeSH D061325, MONDO:0003582. Disease mechanism: loss of function.

Submissions (2):

University of Washington Department of Laboratory Medicine, University of Washington
Classification: Likely benign for Hereditary cancer-predisposing syndrome. Last evaluated: 2023-03-23. Review status: criteria provided, single submitter. Criteria: Dines et al. (Genet Med. 2020). Collection method: curation. Allele origin: germline.
Comment: Missense variant in a coldspot region where missense variants are very unlikely to be pathogenic (PMID:31911673).

BRCA2 exon 11 coldspot. Reclassification based on statistical prior probability.

Labcorp Genetics (formerly Invitae), Labcorp
Classification: Uncertain significance for Hereditary breast ovarian cancer syndrome. Last evaluated: 2020-04-27. Review status: criteria provided, single submitter. Criteria: Invitae Variant Classification Sherloc (09022015). Collection method: clinical testing. Allele origin: germline.
Comment: This sequence change replaces leucine with tryptophan at codon 657 of the BRCA2 protein (p.Leu657Trp). The leucine residue is moderately conserved and there is a small physicochemical difference between leucine and tryptophan. This variant is not present in population databases (ExAC no frequency). This variant has not been reported in the literature in individuals with BRCA2-related conditions. Algorithms developed to predict the effect of missense changes on protein structure and function output the following: SIFT: "Deleterious"; PolyPhen-2: "Benign"; Align-GVGD: "Class C0". The tryptophan amino acid residue is found in multiple mammalian species, suggesting that this missense change does not adversely affect protein function. These predictions have not been confirmed by published functional studies and their clinical significance is uncertain. In summary, the available evidence is currently insufficient to determine the role of this variant in disease. Therefore, it has been classified as a Variant of Uncertain Significance.